The following is an entry in ClinVar:

ClinVar aggregate classification (germline): Uncertain significance (1 of 4 stars; one submission).

Allele frequency attached by ClinVar (database versions not stated): gnomAD exomes below 0.00001; gnomAD 0.00001; TOPMed 0.00001.
gnomAD v4.1: 2 of 1,610,560 alleles (0.00012%); highest among the groups gnomAD compares: Admixed American, 0.0017%; no homozygotes.

Submission:

Labcorp Genetics (formerly Invitae), Labcorp
Classification: Uncertain significance. Last evaluated: 2022-07-06. Review status: criteria provided, single submitter. Criteria: Invitae Variant Classification Sherloc (09022015). Collection method: clinical testing. Allele origin: germline.
Comment: Algorithms developed to predict the effect of missense changes on protein structure and function are either unavailable or do not agree on the potential impact of this missense change (SIFT: "Not Available"; PolyPhen-2: "Probably Damaging"; Align-GVGD: "Not Available"). In summary, the available evidence is currently insufficient to determine the role of this variant in disease. Therefore, it has been classified as a Variant of Uncertain Significance. ClinVar contains an entry for this variant (Variation ID: 1419928). This sequence change replaces arginine, which is basic and polar, with lysine, which is basic and polar, at codon 223 of the ADAMTS17 protein (p.Arg223Lys). This variant is present in population databases (no rsID available, gnomAD no frequency). This variant has not been reported in the literature in individuals affected with ADAMTS17-related conditions.

NM_139057.4(ADAMTS17):c.668G>A (p.Arg223Lys)

Gene: ADAMTS17 (ADAM metallopeptidase with thrombospondin type 1 motif 17; minus strand). Cytogenetic location: 15q26.3.
Variant type: single nucleotide variant.
Coding change: c.668G>A on transcript NM_139057.4 (MANE Select); coding-DNA position 668, G replaced by A.
Protein change: p.Arg223Lys; replaces arginine 223 with lysine.
Molecular consequence: missense variant.
Genome position (GRCh38, 1-based): chr15:100,281,350, C>T on the plus strand (G>A on the coding strand, the complement: ADAMTS17 is on the minus strand). VCF-style: chr15-100281350-C-T. GRCh37 (hg19) VCF-style: chr15-100821555-C-T.
Other names: short protein forms R223K.
Identifiers: ClinVar variation 1419928 (VCV001419928.8), dbSNP rs1251180062, ClinGen allele CA393943995.